The following is an entry in ClinVar:

ClinVar aggregate classification (germline): Likely benign (1 of 4 stars; one submission).

Allele frequency attached by ClinVar (database versions not stated): TOPMed 0.00004; ExAC 0.00005.
gnomAD v4.1: 35 of 1,202,669 alleles (0.0029%); highest among the groups gnomAD compares: Middle Eastern, 0.023%; no homozygotes.

Submission:

CeGaT Center for Human Genetics Tuebingen
Classification: Likely benign. Last evaluated: 2026-05-01. Review status: criteria provided, single submitter. Criteria: CeGaT Center For Human Genetics Tuebingen Variant Classification Criteria Version 2. Collection method: clinical testing. Allele origin: germline. Affected: yes. Observed: 3 variant alleles.
Comment: MSL3: BP4, BP7, BS2

NM_078629.4(MSL3):c.1194A>C (p.Ser398=)

Gene: MSL3 (MSL complex subunit 3; plus strand). Cytogenetic location: Xp22.2.
Variant type: single nucleotide variant.
Coding change: c.1194A>C on transcript NM_078629.4 (MANE Select); coding-DNA position 1194, A replaced by C.
Protein change: p.Ser398=; no amino-acid change (serine 398 retained).
Molecular consequence: synonymous variant.
Genome position (GRCh38, 1-based): chrX:11,768,595, A>C. VCF-style: chrX-11768595-A-C. GRCh37 (hg19) VCF-style: chrX-11786714-A-C.
Other names: c.1158A>C, p.Ser386= (NM_001193270.2); c.747A>C, p.Ser249= (NM_001282174.1); c.696A>C, p.Ser232= (NM_006800.4).
Identifiers: ClinVar variation 2659996 (VCV002659996.24), dbSNP rs781075003, ClinGen allele CA10348927.